The following is an entry in ClinVar:

ClinVar aggregate classification (germline): Uncertain significance. Review status: criteria provided, multiple submitters, no conflicts (2 of 4 stars). 2 submissions from 2 submitters: Uncertain significance (2). Last evaluated 2023-08-09.

Allele frequency attached by ClinVar (database versions not stated): gnomAD 0.00004 and 0.00005; TOPMed 0.00006; 1000 Genomes Project 30x 0.00016; 1000 Genomes Project 0.00020.
gnomAD v4.1: 38 of 1,614,100 alleles (0.0024%); highest among the groups gnomAD compares: Admixed American, 0.045%; no homozygotes.

Submissions (2):

Labcorp Genetics (formerly Invitae), Labcorp
Classification: Uncertain significance. Last evaluated: 2023-08-09. Review status: criteria provided, single submitter. Criteria: Invitae Variant Classification Sherloc (09022015). Collection method: clinical testing. Allele origin: germline.
Comment: In summary, the available evidence is currently insufficient to determine the role of this variant in disease. Therefore, it has been classified as a Variant of Uncertain Significance. An algorithm developed to predict the effect of missense changes on protein structure and function (PolyPhen-2) suggests that this variant is likely to be disruptive. ClinVar contains an entry for this variant (Variation ID: 1366154). This variant has not been reported in the literature in individuals affected with EMP2-related conditions. This variant is present in population databases (rs562241873, gnomAD 0.06%). This sequence change replaces alanine, which is neutral and non-polar, with threonine, which is neutral and polar, at codon 78 of the EMP2 protein (p.Ala78Thr).

Ambry Genetics
Classification: Uncertain significance. Last evaluated: 2022-06-03. Review status: criteria provided, single submitter. Criteria: Ambry Variant Classification Scheme 2023. Collection method: clinical testing. Allele origin: germline.

NM_001424.6(EMP2):c.232G>A (p.Ala78Thr)

Gene: EMP2 (epithelial membrane protein 2; minus strand). Cytogenetic location: 16p13.13.
Variant type: single nucleotide variant.
Coding change: c.232G>A on transcript NM_001424.6 (MANE Select); coding-DNA position 232, G replaced by A.
Protein change: p.Ala78Thr; replaces alanine 78 with threonine.
Molecular consequence: missense variant.
Genome position (GRCh38, 1-based): chr16:10,538,012, C>T on the plus strand (G>A on the coding strand, the complement: EMP2 is on the minus strand). VCF-style: chr16-10538012-C-T. GRCh37 (hg19) VCF-style: chr16-10631869-C-T.
Other names: c.232G>A (NM_001424.4); short protein forms A78T.
Identifiers: ClinVar variation 1366154 (VCV001366154.5), dbSNP rs562241873, ClinGen allele CA7897806.